The following continues an entry in ClinVar:

NM_000238.4(KCNH2):c.2717C>T (p.Ser906Leu)

Gene: KCNH2. ClinVar aggregate classification (germline): Conflicting classifications of pathogenicity. Pathogenic (3); Likely pathogenic (9); Uncertain significance (4); Likely benign (1).

Submissions 9 to 21 of 21:

Victorian Clinical Genetics Services, Murdoch Childrens Research Institute
Classification: Uncertain significance for Long QT syndrome 2. Last evaluated: 2024-10-11. Review status: criteria provided, single submitter. Criteria: ACMG Guidelines, 2015. Collection method: clinical testing. Allele origin: germline. Inheritance: Autosomal dominant inheritance. Affected: yes.
Comment: Based on the classification scheme VCGS_Germline_v1.3.4, this variant is classified as a VUS-3B. Following criteria are met: 0103 - Dominant negative and loss of function are known mechanisms of disease in this gene and are associated with Long QT syndrome 2 (MIM#613688). Gain of function is also a known mechanism associated with Short QT syndrome 1 (MIM#609620) (OMIM, PMID: 10753933; PMID: 21777565). (I) 0107 - This gene is associated with autosomal dominant disease. (I) 0112 - The condition associated with this gene has incomplete penetrance (PMID: 20301308). (I) 0200 - Variant is predicted to result in a missense amino acid change from serine to leucine. (I) 0251 - This variant is heterozygous. (I) 0302 - Variant is present in gnomAD (v4) <0.001 for a dominant condition (121 heterozygotes, 0 homozygotes). (SP) 0502 - Missense variant with conflicting in-silico predictions and uninformative conservation. (I) 0600 - Variant is located in an annotated domain or motif (C-terminal; PDB) (I) 0705 - No comparable missense variants have previous evidence for pathogenicity. (I) 0808 - Previous reports of pathogenicity for this variant are conflicting. This variant has been reported as either a VUS or likely pathogenic in individuals with LQTS, idiopathic ventricular fibrillation, and in a stillbirth case (ClinVar, PMIDs: 36269083, 32893267, 19716085, 26743238, 31737537, 31114860, 30615648). (I) 0906 - Segregation evidence for this variant is inconclusive. This variant segregated with features of LQTS in seven individuals from multiple families. However, five gene positive individuals were unaffected at the time of assessment (PMID: 36269083). (I) 1004 - This variant has moderate functional evidence supporting normal protein function. Automated patch clamp functional studies have shown that this variant results in a 36% reduction in current density, which is comparable to some benign variants. Additionally, this variant has normal channel gating deactivation (personal communication with Victor Chang Victor Chang Cardiac Research Institute, PMID: 36269083). (SB) 1208 - Inheritance information for this variant is not currently available in this individual. (I) Legend: (SP) - Supporting pathogenic, (I) - Information, (SB) - Supporting benign

Molecular Diagnostic Laboratory for Inherited Cardiovascular Disease, Montreal Heart Institute
Classification: Likely pathogenic for Cardiovascular phenotype. Last evaluated: 2024-10-03. Review status: criteria provided, single submitter. Criteria: ACMG Guidelines, 2015. Collection method: clinical testing. Allele origin: germline. Affected: yes.
Comment: PS4_mod; PP1_mod; PS3_supp; PP2

All of Us Research Program, National Institutes of Health
Classification: Likely pathogenic for Long QT syndrome. Last evaluated: 2024-09-26. Review status: criteria provided, single submitter. Criteria: ACMG Guidelines, 2015. Collection method: clinical testing. Allele origin: germline. Inheritance: Autosomal dominant inheritance. Observed: 22 variant alleles, 22 heterozygotes.
Comment: This missense variant replaces serine with leucine at codon 906 of the KCNH2 protein. Computational prediction suggests that this variant may have deleterious impact on protein structure and function (internally defined REVEL score threshold >= 0.7, PMID: 27666373). A functional study has shown that this variant causes a reduction in current density in transfected HEK293 cells (PMID: 36269083). This variant has been reported in 15 unrelated individuals affected with long QT syndrome, idiopathic ventricular fibrillation, or suspected of having long QT syndrome (PMID: 19716085, 26743238, 31737537, 31114860, 32893267, 36269083, ClinVar SCV000260666.6). It has been shown that this variant segregates with disease in multiple families of these individuals (PMID: 36269083). One of the probands carried a second known pathogenic variant in the KCNQ1 gene (PMID: 36269083), who had recurrent syncopal events during exercise and emotional stress. This variant has also been reported in an individual suspected of having Brugada syndrome as well as in a stillbirth case (PMID: 30615648, 36269083). This variant has been identified in 9/124636 chromosomes (6/45878 Non-Finnish European chromosomes, 0.0130%) in the general population by the Genome Aggregation Database (gnomAD). Based on the available evidence, this variant is classified as Likely Pathogenic. The elevated allele frequency of this variant in the general population suggests this variant may show reduced penetrance.

This study involves interpretation of variants in research participants for the purpose of population health screening. Participant phenotype was not available at the time of variant classification. Additional details can be found in publication PMID: 35346344, PMCID: PMC8962531

Blueprint Genetics
Classification: Likely benign. Last evaluated: 2024-09-19. Review status: criteria provided, single submitter. Criteria: ACMG Guidelines, 2015. Collection method: clinical testing. Allele origin: germline.

Laboratory for Molecular Medicine, Mass General Brigham Personalized Medicine
Classification: Likely pathogenic for Familial long QT syndrome. Last evaluated: 2024-03-18. Review status: criteria provided, single submitter. Criteria: ACMG Guidelines, 2015. Collection method: clinical testing. Allele origin: germline. Inheritance: Autosomal dominant inheritance.
Comment: proposed classification - variant undergoing re-assessment, contact laboratory

Fulgent Genetics
Classification: Uncertain significance for Short QT syndrome type 1; Long QT syndrome 2. Last evaluated: 2024-01-08. Review status: criteria provided, single submitter. Criteria: ACMG Guidelines, 2015. Collection method: clinical testing. Allele origin: germline.

Department of Pathology and Laboratory Medicine, Sinai Health System
Classification: Uncertain significance for Short QT syndrome type 1; Long QT syndrome 2. Last evaluated: 2022-01-06. Review status: criteria provided, single submitter. Criteria: ACMG Guidelines, 2015. Collection method: research. Allele origin: germline.

Ambry Genetics
Classification: Uncertain significance for Cardiovascular phenotype. Last evaluated: 2021-04-02. Review status: criteria provided, single submitter. Criteria: Ambry Variant Classification Scheme 2023. Collection method: clinical testing. Allele origin: germline.

Hadassah Hebrew University Medical Center
Classification: Pathogenic for Long QT syndrome 2. Review status: criteria provided, single submitter. Criteria: ACMG Guidelines, 2015. Collection method: research. Allele origin: germline. Affected: no. Observed: 1 variant allele.

PreventionGenetics, part of Exact Sciences
Classification: Uncertain significance for KCNH2-related condition. Last evaluated: 2024-05-24. Review status: no assertion criteria provided. Collection method: clinical testing. Allele origin: germline. Not counted in ClinVar's aggregate classification.
Comment: The KCNH2 c.2717C>T variant is predicted to result in the amino acid substitution p.Ser906Leu. This variant has been reported in multiple individuals with long QT syndrome (Table S2, Kapplinger et al. 2009. PubMed ID: 19716085; Supplemental Table, Marschall et al. 2019. PubMed ID: 31737537), idiopathic ventricular fibrillation (Table 4, Blom et al. 2019. PubMed ID: 31114860), unspecified arrhythmogenic disorders (Table S1, Adler et al. 2016. PubMed ID: 26743238; Table S1, Copier et al. 2023. PubMed ID: 36269083), and one case of stillbirth (Table S2, Sahlin et al. 2019. PubMed ID: 30615648). This variant was also found to co-occur with additional variants in genes associated with arrhythmogenic disorders (CACNA1C, PKP2, RYR2, and AKAP9), including an established pathogenic KCNQ1 p.Thr587Met variant (Table S1, Copier et al. 2023. PubMed ID: 36269083). An in vitro experimental study suggests this variant affects the current density and activation gating of the channel protein (Figure 4, Copier et al. 2023. PubMed ID: 36269083). This variant is reported in 0.013% of alleles in individuals of European (non-Finnish) descent in gnomAD and has conflicting interpretations of pathogenicity in ClinVar ranging from uncertain to pathogenic. This variant has been proposed to be associated reduced penetrance with variable clinical presentation (Copier et al. 2023. PubMed ID: 36269083). Although we suspect this variant may be pathogenic, at this time, the clinical significance of this variant is uncertain due to the absence of conclusive functional and genetic evidence.

Cardiovascular Biomedical Research Unit, Royal Brompton & Harefield NHS Foundation Trust
No classification provided. Condition: Familial long QT syndrome. Review status: no classification provided. Collection method: literature only. Allele origin: germline. Not counted in ClinVar's aggregate classification.
Comment: This variant has been reported as associated with Long QT syndrome in the following publications (PMID:19716085). This is a literature report, and does not necessarily reflect the clinical interpretation of the Imperial College / Royal Brompton Cardiovascular Genetics laboratory.

Clinical Genetics, Academic Medical Center
Classification: Uncertain significance. Review status: no assertion criteria provided. Collection method: clinical testing. Allele origin: germline. Affected: yes. Study: VKGL Data-share Consensus. Not counted in ClinVar's aggregate classification.

Genome Diagnostics Laboratory, University Medical Center Utrecht
Classification: Uncertain significance. Review status: no assertion criteria provided. Collection method: clinical testing. Allele origin: germline. Affected: yes. Study: VKGL Data-share Consensus. Not counted in ClinVar's aggregate classification.

Literature cited by the submitters: PubMed 19716085 (cited by 8 submitters); PubMed 26743238 (cited by 6 submitters); PubMed 31737537 (cited by 6 submitters); PubMed 36269083 (cited by 7 submitters); PubMed 30615648 (cited by 4 submitters); PubMed 31114860 (cited by 4 submitters); PubMed 32893267 (cited by 4 submitters); PubMed 10753933 (cited by Victorian Clinical Genetics Services, Murdoch Childrens Research Institute); PubMed 20301308 (cited by Victorian Clinical Genetics Services, Murdoch Childrens Research Institute); PubMed 21777565 (cited by Victorian Clinical Genetics Services, Murdoch Childrens Research Institute); PubMed 22581653 (cited by Cardiovascular Biomedical Research Unit, Royal Brompton & Harefield NHS Foundation Trust).